The following is an entry in ClinVar:

NM_177972.3(TUB):c.90+3G>A

Gene: TUB (TUB bipartite transcription factor; plus strand). Cytogenetic location: 11p15.4.
Variant type: single nucleotide variant.
Coding change: c.90+3G>A on transcript NM_177972.3 (MANE Select); 3 bases into the intron after coding-DNA position 90, G replaced by A.
Molecular consequence: intron variant.
Genome position (GRCh38, 1-based): chr11:8,089,664, G>A. VCF-style: chr11-8089664-G-A. GRCh37 (hg19) VCF-style: chr11-8111211-G-A.
Other names: c.255+3G>A (NM_003320.5).
Identifiers: ClinVar variation 1411963 (VCV001411963.6), dbSNP rs1943734013, ClinGen allele CA2573147216.

ClinVar aggregate classification (germline): Uncertain significance (1 of 4 stars; one submission).

Allele frequency attached by ClinVar (database versions not stated): gnomAD exomes below 0.00001.
gnomAD v4.1: 1 of 1,614,184 alleles (0.000062%); highest among the groups gnomAD compares: Non-Finnish European, 0.000085%; no homozygotes.

Submission:

Labcorp Genetics (formerly Invitae), Labcorp
Classification: Uncertain significance. Last evaluated: 2022-03-19. Review status: criteria provided, single submitter. Criteria: Invitae Variant Classification Sherloc (09022015). Collection method: clinical testing. Allele origin: germline.
Comment: In summary, the available evidence is currently insufficient to determine the role of this variant in disease. Therefore, it has been classified as a Variant of Uncertain Significance. Variants that disrupt the consensus splice site are a relatively common cause of aberrant splicing (PMID: 17576681, 9536098). Algorithms developed to predict the effect of sequence changes on RNA splicing suggest that this variant is not likely to affect RNA splicing. This variant has not been reported in the literature in individuals affected with TUB-related conditions. This variant is not present in population databases (gnomAD no frequency). This sequence change falls in intron 3 of the TUB gene. It does not directly change the encoded amino acid sequence of the TUB protein. It affects a nucleotide within the consensus splice site.

Literature cited by the submitters: PubMed 17576681; PubMed 9536098.